The following is an entry in ClinVar:

ClinVar aggregate classification (germline): Uncertain significance (1 of 4 stars; one submission).

gnomAD v4.1: 4 of 1,613,136 alleles (0.00025%); highest among the groups gnomAD compares: Non-Finnish European, 0.00025%; no homozygotes.

Submission:

Labcorp Genetics (formerly Invitae), Labcorp
Classification: Uncertain significance. Last evaluated: 2024-03-25. Review status: criteria provided, single submitter. Criteria: Invitae Variant Classification Sherloc (09022015). Collection method: clinical testing. Allele origin: germline.
Comment: This sequence change replaces serine, which is neutral and polar, with arginine, which is basic and polar, at codon 1452 of the CAMTA1 protein (p.Ser1452Arg). This variant is present in population databases (no rsID available, gnomAD 0.03%). This variant has not been reported in the literature in individuals affected with CAMTA1-related conditions. An algorithm developed to predict the effect of missense changes on protein structure and function (PolyPhen-2) suggests that this variant is likely to be tolerated. In summary, the available evidence is currently insufficient to determine the role of this variant in disease. Therefore, it has been classified as a Variant of Uncertain Significance.

NM_015215.4(CAMTA1):c.4354A>C (p.Ser1452Arg)

Gene: CAMTA1 (calmodulin binding transcription activator 1; plus strand). Cytogenetic location: 1p36.23.
Variant type: single nucleotide variant.
Coding change: c.4354A>C on transcript NM_015215.4 (MANE Select); coding-DNA position 4354, A replaced by C.
Protein change: p.Ser1452Arg; replaces serine 1452 with arginine.
Molecular consequence: missense variant.
Genome position (GRCh38, 1-based): chr1:7,745,006, A>C. VCF-style: chr1-7745006-A-C. GRCh37 (hg19) VCF-style: chr1-7805066-A-C.
Other names: c.4264A>C, p.Ser1422Arg (NM_001349608.2); c.4015A>C, p.Ser1339Arg (NM_001349609.2, NM_001349610.2, NM_001410737.1); c.3925A>C, p.Ser1309Arg (NM_001349612.2); c.1483A>C, p.Ser495Arg (NM_001349613.1); c.1426A>C, p.Ser476Arg (NM_001349614.1, NM_001349615.2, NM_001349616.2 and 2 more transcripts); c.1087A>C, p.Ser363Arg (NM_001349619.2, NM_001349620.1, NM_001349621.1 and 5 more transcripts); c.3943A>C, p.Ser1315Arg (NM_001410738.1); short protein forms S1315R, S1422R, S1309R, S1339R, S1452R, S363R, S476R, S495R.
Identifiers: ClinVar variation 3694773 (VCV003694773.2).